The following is an entry in ClinVar:

NM_020762.4(SRGAP1):c.182C>T (p.Thr61Met)

Gene: SRGAP1 (SLIT-ROBO Rho GTPase activating protein 1; plus strand). Cytogenetic location: 12q14.2.
Variant type: single nucleotide variant.
Coding change: c.182C>T on transcript NM_020762.4 (MANE Select); coding-DNA position 182, C replaced by T.
Protein change: p.Thr61Met; replaces threonine 61 with methionine.
Molecular consequence: missense variant.
Genome position (GRCh38, 1-based): chr12:63,984,061, C>T. VCF-style: chr12-63984061-C-T. GRCh37 (hg19) VCF-style: chr12-64377841-C-T.
Other names: c.182C>T, p.Thr61Met (NM_001346201.2); c.182C>T (NM_020762.2); short protein forms T61M.
Identifiers: ClinVar variation 1050742 (VCV001050742.2), dbSNP rs778174499, ClinGen allele CA6666337.

ClinVar aggregate classification (germline): Uncertain significance. Review status: criteria provided, single submitter (1 of 4 stars). 2 submissions from 2 submitters: Uncertain significance (1). 1 of the submissions does not count toward it. Last evaluated 2024-03-04.

Conditions:
Thyroid cancer, nonmedullary, 2 (NMTC2). Also called: THYROID CARCINOMA, FOLLICULAR; THYROID CANCER, NONMEDULLARY, 2, SUSCEPTIBILITY TO; Thyroid carcinoma, follicular, somatic. Identifiers: MedGen C4225426, MONDO:0008566, OMIM 188470.

Allele frequency attached by ClinVar (database versions not stated): ExAC 0.00006; gnomAD exomes 0.00006 and 0.00007; gnomAD 0.00009; TOPMed 0.00010.
gnomAD v4.1: 98 of 1,554,296 alleles (0.0063%); highest among the groups gnomAD compares: East Asian, 0.021%; no homozygotes.

Submissions (2):

Ambry Genetics
Classification: Uncertain significance. Last evaluated: 2024-03-04. Review status: criteria provided, single submitter. Criteria: Ambry Variant Classification Scheme 2023. Collection method: clinical testing. Allele origin: germline.

Department of Pathology and Laboratory Medicine, Sinai Health System
Classification: Uncertain significance for Thyroid cancer, nonmedullary, 2. Review status: no assertion criteria provided. Collection method: clinical testing. Allele origin: unknown. Affected: yes. Study: The Canadian Open Genetics Repository (COGR). Not counted in ClinVar's aggregate classification.
Comment: The SRGAP1 p.T61M variant was not identified in the literature nor was it identified in ClinVar. The variant was identified in dbSNP (ID: rs778174499) and in control databases in 19 of 264564 chromosomes at a frequency of 0.00007182, and was observed at the highest frequency in the East Asian population in 9 of 17468 chromosomes (freq: 0.0005152) (Genome Aggregation Database March 6, 2019, v2.1.1). The p.T61 residue is not highly conserved in mammals and computational analyses (MUT Assesor, PolyPhen-2, SIFT, MutationTaster, Revel, FATHMM, MetaLR, DANN) do not suggest a high likelihood of impact to the protein; however this information is not predictive enough to rule out pathogenicity. The variant occurs outside of the splicing consensus sequence and in silico or computational prediction software programs (Splice AI exome) do not predict a difference in splicing. In summary, based on the above information the clinical significance of this variant cannot be determined with certainty at this time. This variant is classified as a variant of uncertain significance.Â¬â€